The following is an entry in ClinVar:

NM_000257.4(MYH7):c.540C>A (p.Ser180=)

Gene: MYH7 (myosin heavy chain 7; minus strand). Cytogenetic location: 14q11.2.
Variant type: single nucleotide variant.
Coding change: c.540C>A on transcript NM_000257.4 (MANE Select); coding-DNA position 540, C replaced by A.
Protein change: p.Ser180=; no amino-acid change (serine 180 retained).
Molecular consequence: synonymous variant.
Genome position (GRCh38, 1-based): chr14:23,431,860, G>T on the plus strand (C>A on the coding strand, the complement: MYH7 is on the minus strand). VCF-style: chr14-23431860-G-T. GRCh37 (hg19) VCF-style: chr14-23901069-G-T.
Other names: p.S180S:TCC>TCA; c.540C>A (LRG_384t1).
Identifiers: ClinVar variation 138388 (VCV000138388.25), dbSNP rs369490861, ClinGen allele CA016093.

ClinVar aggregate classification (germline): Conflicting classifications of pathogenicity. Review status: criteria provided, conflicting classifications (1 of 4 stars). 11 submissions from 8 submitters: Uncertain significance (4); Benign (1); Likely benign (6). Last evaluated 2025-12-20.

Conditions:
Cardiovascular phenotype. Identifiers: MedGen CN230736.
Myosin storage myopathy (CMYO7A). Also called: MYOPATHY WITH LYSIS OF TYPE I MYOFIBRILS; MYOPATHY, HYALINE BODY, AUTOSOMAL DOMINANT; MYH7-related late-onset scapuloperoneal muscular dystrophy; Congenital myopathy 7A, myosin storage, autosomal dominant; Scapuloperoneal myopathy, MYH7-related; SCAPULOPERONEAL MUSCULAR DYSTROPHY. Identifiers: Orphanet 437572, Orphanet 636965, MedGen C1842160, MONDO:0008409, OMIM 608358.
Cardiomyopathy (CMYO). Also called: Cardiomyopathies. Identifiers: Orphanet 167848, MedGen C0878544, MONDO:0004994, HP:0001638. Inheritance: Various modes of inheritance.
MYH7-related skeletal myopathy. Also called: Myopathy, distal, 1; Laing distal myopathy; MYOPATHY, DISTAL, EARLY-ONSET, AUTOSOMAL DOMINANT; MYOPATHY, LATE DISTAL HEREDITARY; Laing early-onset distal myopathy. Identifiers: Orphanet 59135, MedGen C4552004, MONDO:0008050, OMIM 160500.
Dilated cardiomyopathy 1S (CMD1S). Identifiers: Orphanet 154, Orphanet 54260, MedGen C1834481, MONDO:0013262, OMIM 613426.
Hypertrophic cardiomyopathy 1 (CMH1). Also called: Familial hypertrophic cardiomyopathy 1; MYH7-Related Familial Hypertrophic Cardiomyopathy. Identifiers: MedGen C3495498, MONDO:0008647, OMIM 192600.
Hypertrophic cardiomyopathy. Also called: HYPERTROPHIC MYOCARDIOPATHY. Identifiers: Orphanet 217569, MedGen C0007194, MeSH D002312, MONDO:0005045, HP:0001639.

Allele frequency attached by ClinVar (database versions not stated): gnomAD 0.00003; TOPMed 0.00005; ESP Exome Variant Server 0.00015.
gnomAD v4.1: 93 of 1,614,106 alleles (0.0058%); highest among the groups gnomAD compares: Non-Finnish European, 0.0071%; no homozygotes.

Submissions (11):

Labcorp Genetics (formerly Invitae), Labcorp
Classification: Likely benign for Hypertrophic cardiomyopathy. Last evaluated: 2025-12-20. Review status: criteria provided, single submitter. Criteria: Invitae Variant Classification Sherloc (09022015). Collection method: clinical testing. Allele origin: germline.

Women's Health and Genetics/Laboratory Corporation of America, LabCorp
Classification: Likely benign. Last evaluated: 2025-11-28. Review status: criteria provided, single submitter. Criteria: LabCorp Variant Classification Summary - May 2015. Collection method: clinical testing. Allele origin: germline.

All of Us Research Program, National Institutes of Health
Classification: Likely benign for Cardiomyopathy. Last evaluated: 2023-12-01. Review status: criteria provided, single submitter. Criteria: ACMG Guidelines, 2015. Collection method: clinical testing. Allele origin: germline. Inheritance: Autosomal dominant inheritance. Observed: 11 variant alleles, 11 heterozygotes.
Comment: This study involves interpretation of variants in research participants for the purpose of population health screening. Participant phenotype was not available at the time of variant classification. Additional details can be found in publication PMID: 35346344, PMCID: PMC8962531

Blueprint Genetics
Classification: Likely benign. Last evaluated: 2023-09-18. Review status: criteria provided, single submitter. Criteria: ACMG Guidelines, 2015. Collection method: clinical testing. Allele origin: germline.

Color Diagnostics, LLC DBA Color Health
Classification: Likely benign for Cardiomyopathy. Last evaluated: 2018-11-25. Review status: criteria provided, single submitter. Criteria: ACMG Guidelines, 2015. Collection method: clinical testing. Allele origin: germline.

Illumina Laboratory Services, Illumina
Classification: Uncertain significance for Hypertrophic cardiomyopathy 1. Last evaluated: 2018-01-13. Review status: criteria provided, single submitter. Criteria: ICSL Variant Classification Criteria 13 December 2019. Collection method: clinical testing. Allele origin: germline.

Illumina Laboratory Services, Illumina
Classification: Uncertain significance for Myosin storage myopathy. Last evaluated: 2018-01-13. Review status: criteria provided, single submitter. Criteria: ICSL Variant Classification Criteria 13 December 2019. Collection method: clinical testing. Allele origin: germline.

Illumina Laboratory Services, Illumina
Classification: Uncertain significance for Dilated cardiomyopathy 1S. Last evaluated: 2018-01-13. Review status: criteria provided, single submitter. Criteria: ICSL Variant Classification Criteria 13 December 2019. Collection method: clinical testing. Allele origin: germline.

Illumina Laboratory Services, Illumina
Classification: Uncertain significance for MYH7-related skeletal myopathy. Last evaluated: 2018-01-13. Review status: criteria provided, single submitter. Criteria: ICSL Variant Classification Criteria 13 December 2019. Collection method: clinical testing. Allele origin: germline.

Ambry Genetics
Classification: Likely benign for Cardiovascular phenotype. Last evaluated: 2016-11-21. Review status: criteria provided, single submitter. Criteria: Ambry Variant Classification Scheme 2023. Collection method: clinical testing. Allele origin: germline.

GeneDx
Classification: Benign. Last evaluated: 2013-04-09. Review status: criteria provided, single submitter. Criteria: GeneDx Variant Classification (06012015). Collection method: clinical testing. Allele origin: germline. Affected: yes.
Comment: This variant is considered likely benign or benign based on one or more of the following criteria: it is a conservative change, it occurs at a poorly conserved position in the protein, it is predicted to be benign by multiple in silico algorithms, and/or has population frequency not consistent with disease.